The following is an entry in ClinVar:

NM_003919.3(SGCE):c.1065C>T (p.Asp355=)

Genes: CASD1 (CAS1 domain sialic acid O acetyltransferase 1; plus strand), SGCE (sarcoglycan epsilon; minus strand). Cytogenetic location: 7q21.3.
Variant type: single nucleotide variant.
Coding change: c.1065C>T on transcript NM_003919.3 (MANE Select); coding-DNA position 1065, C replaced by T.
Protein change: p.Asp355=; no amino-acid change (aspartic acid 355 retained).
Molecular consequence: synonymous variant.
Genome position (GRCh38, 1-based): chr7:94,598,963, G>A on the plus strand (C>T on the coding strand, the complement: SGCE is on the minus strand). VCF-style: chr7-94598963-G-A. GRCh37 (hg19) VCF-style: chr7-94228275-G-A.
Other names: c.1038C>T, p.Val346= (NM_001099400.2, NM_001346717.2); c.1065C>T, p.Asp355= (NM_001099401.2); c.942C>T, p.Asp314= (NM_001301139.2); c.1173C>T, p.Asp391= (NM_001346713.2); c.1146C>T, p.Val382= (NM_001346715.2); c.978C>T, p.Asp326= (NM_001346719.2); c.792C>T, p.Asp264= (NM_001346720.2); c.951C>T, p.Val317= (NM_001362807.2); and 2 more.
Identifiers: ClinVar variation 360987 (VCV000360987.12), dbSNP rs886062520, ClinGen allele CA10629684.

ClinVar aggregate classification (germline): Uncertain significance. Review status: criteria provided, multiple submitters, no conflicts (2 of 4 stars). 2 submissions from 2 submitters: Uncertain significance (2). Last evaluated 2023-08-29.

Conditions:
Myoclonic dystonia 11 (DYT11). Also called: Dystonia, alcohol responsive; Hereditary essential myoclonus; SGCE Myoclonus-Dystonia; Myoclonus-Dystonia; Myoclonic dystonia; Dystonia 11. Identifiers: Orphanet 36899, MedGen C1834570, MONDO:0008044, OMIM 159900.

Allele frequency attached by ClinVar (database versions not stated): gnomAD exomes below 0.00001.
gnomAD v4.1: 11 of 1,611,938 alleles (0.00068%); highest among the groups gnomAD compares: Admixed American, 0.0033%; no homozygotes.

Submissions (2):

Labcorp Genetics (formerly Invitae), Labcorp
Classification: Uncertain significance for Myoclonic dystonia 11. Last evaluated: 2023-08-29. Review status: criteria provided, single submitter. Criteria: Invitae Variant Classification Sherloc (09022015). Collection method: clinical testing. Allele origin: germline.
Comment: In summary, the available evidence is currently insufficient to determine the role of this variant in disease. Therefore, it has been classified as a Variant of Uncertain Significance. Algorithms developed to predict the effect of sequence changes on RNA splicing suggest that this variant is not likely to affect RNA splicing. ClinVar contains an entry for this variant (Variation ID: 360987). This variant has not been reported in the literature in individuals affected with SGCE-related conditions. This variant is present in population databases (no rsID available, gnomAD 0.003%). This sequence change affects codon 355 of the SGCE mRNA. It is a 'silent' change, meaning that it does not change the encoded amino acid sequence of the SGCE protein. It affects a nucleotide within the consensus splice site.

Illumina Laboratory Services, Illumina
Classification: Uncertain significance for Myoclonic dystonia 11. Last evaluated: 2018-01-12. Review status: criteria provided, single submitter. Criteria: ICSL Variant Classification Criteria 13 December 2019. Collection method: clinical testing. Allele origin: germline.